The following is an entry in ClinVar:

NC_000014.8:g.(?_105852002)_(105861009_?)dup

Gene: PACS2 (phosphofurin acidic cluster sorting protein 2; plus strand). Cytogenetic location: 14q32.33.
Variant type: Duplication.
Identifiers: ClinVar variation 2423704 (VCV002423704.4).

ClinVar aggregate classification (germline): Uncertain significance (1 of 4 stars; one submission).

Submission:

Labcorp Genetics (formerly Invitae), Labcorp
Classification: Uncertain significance. Last evaluated: 2021-11-25. Review status: criteria provided, single submitter. Criteria: Invitae Variant Classification Sherloc (09022015). Collection method: clinical testing. Allele origin: germline.
Comment: In summary, the available evidence is currently insufficient to determine the role of this variant in disease. Therefore, it has been classified as a Variant of Uncertain Significance. This variant has not been reported in the literature in individuals affected with PACS2-related conditions. This variant results in a copy number gain of the genomic region encompassing exon(s) 19-25 of the PACS2 gene. This region includes the termination codon of the gene. This copy number gain extends beyond the assayed region for this gene and therefore may encompass additional genes. As the precise location of this event is unknown, it may be in tandem or it may be located elsewhere in the genome.